The following is an entry in ClinVar:

NM_198253.3(TERT):c.3263C>A (p.Thr1088Asn)

Gene: TERT (telomerase reverse transcriptase; minus strand). Cytogenetic location: 5p15.33.
Variant type: single nucleotide variant.
Coding change: c.3263C>A on transcript NM_198253.3 (MANE Select); coding-DNA position 3263, C replaced by A.
Protein change: p.Thr1088Asn; replaces threonine 1088 with asparagine.
Molecular consequence: missense variant. On other transcripts: non-coding transcript variant (2).
Genome position (GRCh38, 1-based): chr5:1,254,400, G>T on the plus strand (C>A on the coding strand, the complement: TERT is on the minus strand). VCF-style: chr5-1254400-G-T. GRCh37 (hg19) VCF-style: chr5-1254515-G-T.
Other names: c.3074C>A, p.Thr1025Asn (NM_001193376.3); c.3263C>A, p.Thr1088Asn (NM_003219.1); short protein forms T1088N, T1025N.
Identifiers: ClinVar variation 1729559 (VCV001729559.2), dbSNP rs2478073599, ClinGen allele CA359067180.
Genomic context (GRCh38, chr5:1,254,400, plus strand): 5'-GCCCGCACTGGCCTCCACCCACACTTGCCTGTCCTGAGTGACCCCAGGAGTGGCACGTAG[G>T]TGACACGGTGTCGAGTCAGCTTGAGCAGGAATGCTTGGTGGCACAGCCACTGCACGGCCT-3'
Protein context (NP_937983.2, residues 1078-1098): FLLKLTRHRV[Thr1088Asn]YVPLLGSLRT

ClinVar aggregate classification (germline): Uncertain significance (1 of 4 stars; one submission).

Conditions:
Dyskeratosis congenita. Identifiers: Orphanet 1775, MedGen C0265965, MONDO:0015780.

Submission:

Ambry Genetics
Classification: Uncertain significance for Dyskeratosis congenita. Last evaluated: 2022-05-14. Review status: criteria provided, single submitter. Criteria: Ambry Variant Classification Scheme 2023. Collection method: clinical testing. Allele origin: germline.
Comment: The p.T1088N variant (also known as c.3263C>A), located in coding exon 15 of the TERT gene, results from a C to A substitution at nucleotide position 3263. The threonine at codon 1088 is replaced by asparagine, an amino acid with similar properties. This amino acid position is conserved. In addition, the in silico prediction for this alteration is inconclusive. Since supporting evidence is limited at this time, the clinical significance of this alteration remains unclear.